The following is an entry in ClinVar:

NM_001197104.2(KMT2A):c.1520C>T (p.Pro507Leu)

Gene: KMT2A (lysine methyltransferase 2A; plus strand). Cytogenetic location: 11q23.3.
Variant type: single nucleotide variant.
Coding change: c.1520C>T on transcript NM_001197104.2 (MANE Select); coding-DNA position 1520, C replaced by T.
Protein change: p.Pro507Leu; replaces proline 507 with leucine.
Molecular consequence: missense variant.
Genome position (GRCh38, 1-based): chr11:118,472,679, C>T. VCF-style: chr11-118472679-C-T. GRCh37 (hg19) VCF-style: chr11-118343394-C-T.
Other names: c.1619C>T, p.Pro540Leu (NM_001412597.1); c.1520C>T, p.Pro507Leu (NM_005933.4); short protein forms P507L, P540L.
Identifiers: ClinVar variation 2120020 (VCV002120020.4), dbSNP rs1949963955, ClinGen allele CA382810287.

ClinVar aggregate classification (germline): Uncertain significance (1 of 4 stars; one submission).

gnomAD v4.1: 5 of 1,613,268 alleles (0.00031%); highest among the groups gnomAD compares: Non-Finnish European, 0.00034%; no homozygotes.

Submission:

Labcorp Genetics (formerly Invitae), Labcorp
Classification: Uncertain significance. Last evaluated: 2025-01-01. Review status: criteria provided, single submitter. Criteria: Invitae Variant Classification Sherloc (09022015). Collection method: clinical testing. Allele origin: germline.
Comment: This sequence change replaces proline, which is neutral and non-polar, with leucine, which is neutral and non-polar, at codon 507 of the KMT2A protein (p.Pro507Leu). This variant is not present in population databases (gnomAD no frequency). This variant has not been reported in the literature in individuals affected with KMT2A-related conditions. ClinVar contains an entry for this variant (Variation ID: 2120020). Invitae Evidence Modeling of protein sequence and biophysical properties (such as structural, functional, and spatial information, amino acid conservation, physicochemical variation, residue mobility, and thermodynamic stability) has been performed for this missense variant. However, the output from this modeling did not meet the statistical confidence thresholds required to predict the impact of this variant on KMT2A protein function. In summary, the available evidence is currently insufficient to determine the role of this variant in disease. Therefore, it has been classified as a Variant of Uncertain Significance.